The following is an entry in ClinVar:

ClinVar aggregate classification (germline): Uncertain significance (1 of 4 stars; one submission).

Conditions:
Inborn genetic diseases. Identifiers: MedGen C0950123, MeSH D030342.

Submission:

Ambry Genetics
Classification: Uncertain significance for Inborn genetic diseases. Last evaluated: 2026-09-06. Review status: criteria provided, single submitter. Criteria: Ambry Variant Classification Scheme 2023. Collection method: clinical testing. Allele origin: germline.
Comment: The p.F698V variant (also known as c.2092T>G), located in coding exon 1 of the SAMD9L gene, results from a T to G substitution at nucleotide position 2092. The phenylalanine at codon 698 is replaced by valine, an amino acid with highly similar properties. This amino acid position is conserved. In addition, the in silico prediction for this alteration is inconclusive. Based on the available evidence, the clinical significance of this variant remains unclear.

NM_152703.5(SAMD9L):c.2092T>G (p.Phe698Val)

Gene: SAMD9L (sterile alpha motif domain containing 9 like; minus strand). Cytogenetic location: 7q21.2.
Variant type: single nucleotide variant.
Coding change: c.2092T>G on transcript NM_152703.5 (MANE Select); coding-DNA position 2092, T replaced by G.
Protein change: p.Phe698Val; replaces phenylalanine 698 with valine.
Molecular consequence: missense variant.
Genome position (GRCh38, 1-based): chr7:93,133,880, A>C on the plus strand (T>G on the coding strand, the complement: SAMD9L is on the minus strand). VCF-style: chr7-93133880-A-C. GRCh37 (hg19) VCF-style: chr7-92763193-A-C.
Other names: c.2092T>G, p.Phe698Val (NM_001303496.3, NM_001303497.3, NM_001303498.3 and 5 more transcripts); short protein forms F698V.
Identifiers: ClinVar variation 5028983 (VCV005028983.1).
Genomic context (GRCh38, chr7:93,133,880, plus strand): 5'-GCTTTTCATAACTGTCCCTTTTAACAAAATCTGAAGAATAGTTTTCAGAAGAAAAATAGA[A>C]GTTCCACCAGGATACTTTGCCACCTCGATAAAAGTGTTCTTCTTTTGATTTCTTAAACTC-3'
Protein context (NP_689916.2, residues 688-708): YRGGKVSWWN[Phe698Val]YFSSENYSSD